The following is an entry in ClinVar:

NM_007126.5(VCP):c.291G>A (p.Gly97=)

Gene: VCP (valosin containing protein; minus strand). Cytogenetic location: 9p13.3.
Variant type: single nucleotide variant.
Coding change: c.291G>A on transcript NM_007126.5 (MANE Select); coding-DNA position 291, G replaced by A.
Protein change: p.Gly97=; no amino-acid change (glycine 97 retained).
Molecular consequence: synonymous variant.
Genome position (GRCh38, 1-based): chr9:35,067,902, C>T on the plus strand (G>A on the coding strand, the complement: VCP is on the minus strand). VCF-style: chr9-35067902-C-T. GRCh37 (hg19) VCF-style: chr9-35067899-C-T.
Other names: c.156G>A, p.Gly52= (NM_001354927.2, NM_001354928.2).
Identifiers: ClinVar variation 2925104 (VCV002925104.6), dbSNP rs764714590, ClinGen allele CA5039524.
Genomic context (GRCh38, chr9:35,067,902, plus strand): 5'-GGCTATCTCTGGCCTCCCATCCCTGTGAAGCCAAAAACCCCACACACACCTGATGACATC[C>T]CCTAGGCGTACACGAAGGTTATTCCGAACAACTCTATTCATCCGAATCTTCTCATCAGAA-3'
Protein context (NP_009057.1, residues 87-107): VVRNNLRVRL[Gly97=]DVISIQPCPD

ClinVar aggregate classification (germline): Likely benign. Review status: criteria provided, multiple submitters, no conflicts (2 of 4 stars). 3 submissions from 3 submitters: Likely benign (2). 1 of the submissions does not count toward it. Last evaluated 2023-05-05.

Conditions:
Frontotemporal dementia and/or amyotrophic lateral sclerosis 6 (FTDALS6). Also called: VCP-Related Amyotrophic Lateral Sclerosis; VCP-Related Amyotrophic Lateral Sclerosis/Frontotemporal Dementia. Identifiers: Orphanet 275872, Orphanet 803, MedGen C5436279, MONDO:0013501, OMIM 613954.
Inclusion body myopathy with Paget disease of bone and frontotemporal dementia. Also called: Inclusion body myopathy with early-onset Paget disease and frontotemporal dementia. Identifiers: Orphanet 52430, MedGen C1833662, MONDO:0000507.
VCP-related disorder. Also called: VCP-related disorders; VCP-related condition.

Allele frequency attached by ClinVar (database versions not stated): gnomAD exomes below 0.00001; ExAC 0.00002; TOPMed 0.00002; gnomAD 0.00003.
gnomAD v4.1: 10 of 1,614,096 alleles (0.00062%); highest among the groups gnomAD compares: African/African-American, 0.0013%; no homozygotes.

Submissions (3):

Labcorp Genetics (formerly Invitae), Labcorp
Classification: Likely benign for Inclusion body myopathy with Paget disease of bone and frontotemporal dementia; Frontotemporal dementia and/or amyotrophic lateral sclerosis 6. Last evaluated: 2023-05-05. Review status: criteria provided, single submitter. Criteria: Invitae Variant Classification Sherloc (09022015). Collection method: clinical testing. Allele origin: germline.

Blueprint Genetics
Classification: Likely benign. Last evaluated: 2021-12-27. Review status: criteria provided, single submitter. Criteria: ACMG Guidelines, 2015. Collection method: clinical testing. Allele origin: germline.

PreventionGenetics, part of Exact Sciences
Classification: Likely benign for VCP-related condition. Last evaluated: 2023-01-11. Review status: no assertion criteria provided. Collection method: clinical testing. Allele origin: germline. Not counted in ClinVar's aggregate classification.
Comment: This variant is classified as likely benign based on ACMG/AMP sequence variant interpretation guidelines (Richards et al. 2015 PMID: 25741868, with internal and published modifications).